The following is an entry in ClinVar:

ClinVar aggregate classification (germline): Uncertain significance (1 of 4 stars; one submission).

Conditions:
Malignant hyperthermia, susceptibility to, 5 (MHS5). Also called: CACNA1S-Related Malignant Hyperthermia Susceptibility. Identifiers: Orphanet 423, MedGen C1866077, MONDO:0011163, OMIM 601887.

Submission:

All of Us Research Program, National Institutes of Health
Classification: Uncertain significance for Malignant hyperthermia, susceptibility to, 5. Last evaluated: 2023-09-17. Review status: criteria provided, single submitter. Criteria: ACMG Guidelines, 2015. Collection method: clinical testing. Allele origin: germline. Inheritance: Autosomal dominant inheritance. Observed: 1 variant allele, 1 heterozygote.
Comment: This missense variant replaces methionine with leucine at codon 367 of the CACNA1S protein. Computational prediction suggests that this variant may not impact protein structure and function (internally defined REVEL score threshold <= 0.5, PMID: 27666373). To our knowledge, functional studies have not been reported for this variant. This variant has not been reported in individuals affected with CACNA1S-related disorders in the literature. This variant has not been identified in the general population by the Genome Aggregation Database (gnomAD). The available evidence is insufficient to determine the role of this variant in disease conclusively. Therefore, this variant is classified as a Variant of Uncertain Significance.

This study involves interpretation of variants in research participants for the purpose of population health screening. Participant phenotype was not available at the time of variant classification. Additional details can be found in publication PMID: 35346344, PMCID: PMC8962531

NM_000069.3(CACNA1S):c.1099A>C (p.Met367Leu)

Gene: CACNA1S (calcium voltage-gated channel subunit alpha1 S; minus strand). Cytogenetic location: 1q32.1.
Variant type: single nucleotide variant.
Coding change: c.1099A>C on transcript NM_000069.3 (MANE Select); coding-DNA position 1099, A replaced by C.
Protein change: p.Met367Leu; replaces methionine 367 with leucine.
Molecular consequence: missense variant.
Genome position (GRCh38, 1-based): chr1:201,085,487, T>G on the plus strand (A>C on the coding strand, the complement: CACNA1S is on the minus strand). VCF-style: chr1-201085487-T-G. GRCh37 (hg19) VCF-style: chr1-201054615-T-G.
Other names: short protein forms M367L.
Identifiers: ClinVar variation 3073462 (VCV003073462.1), dbSNP rs770434654, ClinGen allele CA344129241.